The following is an entry in ClinVar:

ClinVar aggregate classification (germline): Pathogenic (1 of 4 stars; one submission).

Conditions:
Familial thoracic aortic aneurysm and aortic dissection (TAAD). Also called: Thoracic aortic aneurysms and dissections. Identifiers: Orphanet 91387, MedGen C4707243, MONDO:0019625.
Marfan syndrome (MFS). Also called: MARFAN SYNDROME, TYPE I; Marfan syndrome type 1; Marfan's syndrome; Marfan syndrome, classic; FBN1-Related Marfan Syndrome. Identifiers: Orphanet 284963, Orphanet 558, MedGen C0024796, MONDO:0007947, OMIM 154700.

Submission:

Labcorp Genetics (formerly Invitae), Labcorp
Classification: Pathogenic for Marfan syndrome; Familial thoracic aortic aneurysm and aortic dissection. Last evaluated: 2021-12-14. Review status: criteria provided, single submitter. Criteria: Invitae Variant Classification Sherloc (09022015). Collection method: clinical testing. Allele origin: germline.
Comment: This sequence change creates a premature translational stop signal (p.Phe1626Leufs*14) in the FBN1 gene. It is expected to result in an absent or disrupted protein product. Loss-of-function variants in FBN1 are known to be pathogenic (PMID: 17657824, 19293843). For these reasons, this variant has been classified as Pathogenic. This variant is not present in population databases (gnomAD no frequency). This variant has not been reported in the literature in individuals affected with FBN1-related conditions.

Literature cited by the submitters: PubMed 17657824; PubMed 19293843.

NM_000138.5(FBN1):c.4875del (p.Phe1626fs)

Gene: FBN1 (fibrillin 1; minus strand). Cytogenetic location: 15q21.1.
Variant type: Deletion.
Coding change: c.4875del on transcript NM_000138.5 (MANE Select); coding-DNA position 4875, one base deleted (C; older notation c.4875delC).
Protein change: p.Phe1626fs; shifts the reading frame from phenylalanine 1626.
Molecular consequence: frameshift variant.
Genome position (GRCh38, 1-based): chr15:48,465,635, G deleted on the plus strand (C on the coding strand, the reverse complement: FBN1 is on the minus strand); the first of 2 consecutive G bases (chr15:48,465,635-48,465,636); deleting either gives the same sequence. VCF-style (leftmost placement, unchanged base first): chr15-48465634-AG-A. GRCh37 (hg19) VCF-style: chr15-48757831-AG-A.
Other names: c.4874delC, p.Phe1626Leufs (NM_001406716.1); short protein forms F1626fs.
Identifiers: ClinVar variation 1977782 (VCV001977782.5), dbSNP rs2505497007, ClinGen allele CA2580089577.